The following is an entry in ClinVar:

ClinVar aggregate classification (germline): Uncertain significance. Review status: criteria provided, multiple submitters, no conflicts (2 of 4 stars). 2 submissions from 2 submitters: Uncertain significance (2). Last evaluated 2025-04-07.

Conditions:
Inborn genetic diseases. Identifiers: MedGen C0950123, MeSH D030342.

Allele frequency attached by ClinVar (database versions not stated): gnomAD exomes 0.00001; TOPMed 0.00001; ExAC 0.00003.
gnomAD v4.1: 11 of 1,612,170 alleles (0.00068%); highest among the groups gnomAD compares: East Asian, 0.025%; no homozygotes.

Submissions (2):

Labcorp Genetics (formerly Invitae), Labcorp
Classification: Uncertain significance. Last evaluated: 2025-04-07. Review status: criteria provided, single submitter. Criteria: Invitae Variant Classification Sherloc (09022015). Collection method: clinical testing. Allele origin: germline.
Comment: This sequence change replaces lysine, which is basic and polar, with asparagine, which is neutral and polar, at codon 437 of the ERCC6L2 protein (p.Lys437Asn). This variant is present in population databases (rs776058405, gnomAD 0.1%). This variant has not been reported in the literature in individuals affected with ERCC6L2-related conditions. ClinVar contains an entry for this variant (Variation ID: 3090133). Experimental studies and prediction algorithms are not available or were not evaluated, and the functional significance of this variant is currently unknown. In summary, the available evidence is currently insufficient to determine the role of this variant in disease. Therefore, it has been classified as a Variant of Uncertain Significance.

Ambry Genetics
Classification: Uncertain significance for Inborn genetic diseases. Last evaluated: 2023-09-23. Review status: criteria provided, single submitter. Criteria: Ambry Variant Classification Scheme 2023. Collection method: clinical testing. Allele origin: germline.

NM_020207.7(ERCC6L2):c.1278A>C (p.Lys426Asn)

Gene: ERCC6L2 (ERCC excision repair 6 like 2; plus strand). Cytogenetic location: 9q22.32.
Variant type: single nucleotide variant.
Coding change: c.1278A>C on transcript NM_020207.7 (MANE Select); coding-DNA position 1278, A replaced by C.
Protein change: p.Lys426Asn; replaces lysine 426 with asparagine.
Molecular consequence: missense variant. On other transcripts: non-coding transcript variant (1).
Genome position (GRCh38, 1-based): chr9:95,921,294, A>C. VCF-style: chr9-95921294-A-C. GRCh37 (hg19) VCF-style: chr9-98683576-A-C.
Other names: c.1278A>C, p.Lys426Asn (NM_001010895.4, NM_001375291.1, NM_001375292.1 and 2 more transcripts); short protein forms K426N.
Identifiers: ClinVar variation 3090133 (VCV003090133.2), dbSNP rs776058405, ClinGen allele CA5139511.
Genomic context (GRCh38, chr9:95,921,294, plus strand): 5'-AGAGGACGTGACTTTGATACTTCAATCTTCTGAGCCTTGTACCTGTAGGAGTGGCCAAAA[A>C]AGGAGAAATTGTTGTTATAAGGCAAGCATTTCAATATATCTTTATAATCATGCTTTTGAT-3'
Protein context (NP_064592.3, residues 416-436): SEPCTCRSGQ[Lys426Asn]RRNCCYKTNS